The following is an entry in ClinVar:

ClinVar aggregate classification (germline): Benign. Review status: criteria provided, multiple submitters, no conflicts (2 of 4 stars). 3 submissions from 2 submitters: Benign (3). Last evaluated 2017-04-27.

Conditions:
Torsion dystonia 4. Also called: DYT-TUBB4A (Autosomal Dominant Torsion Dystonia); DYSTONIA MUSCULORUM DEFORMANS 4. Identifiers: Orphanet 98805, MedGen C1851943, MONDO:0007493, OMIM 128101.
Leukodystrophy, hypomyelinating, 6. Also called: LEUKODYSTROPHY, HYPOMYELINATING, WITH ATROPHY OF THE BASAL GANGLIA AND CEREBELLUM; TUBB4A-Associated Leukodystrophy; Hypomyelination with Atrophy of Basal Ganglia and Cerebellum (H-ABC). Identifiers: Orphanet 139441, MedGen C2676244, MONDO:0012905, OMIM 612438.

Allele frequency attached by ClinVar (database versions not stated): gnomAD exomes 0.20000; gnomAD 0.20756 and 0.21734; TOPMed 0.21774; 1000 Genomes Project 30x 0.28404; 1000 Genomes Project 0.28554.
gnomAD v4.1: 33,012 of 151,798 alleles (22%); highest among the groups gnomAD compares: East Asian, 44%; 4,209 homozygotes.

Submissions (3):

Illumina Laboratory Services, Illumina
Classification: Benign for Torsion dystonia 4. Last evaluated: 2017-04-27. Review status: criteria provided, single submitter. Criteria: ICSL Variant Classification Criteria 13 December 2019. Collection method: clinical testing. Allele origin: germline.
Comment: This variant was observed as part of a predisposition screen in an ostensibly healthy population. A literature search was performed for the gene, cDNA change, and amino acid change (where applicable). No publications were found based on this search. Allele frequency data from public databases was too high to be consistent with this variant causing disease. Therefore, this variant is classified as benign.

Illumina Laboratory Services, Illumina
Classification: Benign for Leukodystrophy, hypomyelinating, 6. Last evaluated: 2017-04-27. Review status: criteria provided, single submitter. Criteria: ICSL Variant Classification Criteria 13 December 2019. Collection method: clinical testing. Allele origin: germline.
Comment: the same text as in the submission from Illumina Laboratory Services, Illumina above.

Breakthrough Genomics
Classification: Benign. Review status: criteria provided, single submitter. Criteria: ACMG Guidelines, 2015. Collection method: not provided. Allele origin: germline. Inheritance: Autosomal dominant inheritance. Affected: yes.

NM_006087.4(TUBB4A):c.*804C>G

Gene: TUBB4A (tubulin beta 4A class IVa; minus strand). Cytogenetic location: 19p13.3.
Variant type: single nucleotide variant.
Coding change: c.*804C>G on transcript NM_006087.4 (MANE Select); 804 bases downstream of the stop codon, C replaced by G.
Molecular consequence: 3 prime UTR variant.
Genome position (GRCh38, 1-based): chr19:6,494,360, G>C on the plus strand (C>G on the coding strand, the complement: TUBB4A is on the minus strand). VCF-style: chr19-6494360-G-C. GRCh37 (hg19) VCF-style: chr19-6494371-G-C.
Other names: c.*804C>G (NM_001289123.2, NM_001289127.2, NM_001289129.2 and 2 more transcripts).
Identifiers: ClinVar variation 330247 (VCV000330247.6), dbSNP rs1053395, ClinGen allele CA10643298.
Genomic context (GRCh38, chr19:6,494,360, plus strand): 5'-GAGGGATTCGGCAGAAACATCCATGACAACAATTAATTTATTTATTGAGGGTGAGGCAGG[G>C]AAGCGGGGAGGGAGGGTAGGGGTGACCTCTCTTCCTCACAGGCACCAGGCCTTGTTTCTC-3'